The following is an entry in ClinVar:

ClinVar aggregate classification (germline): Benign. Review status: criteria provided, multiple submitters, no conflicts (2 of 4 stars). 4 submissions from 4 submitters: Benign (4). Last evaluated 2026-01-15.

Conditions:
Hypercalcemia, infantile, 1 (HCINF1). Identifiers: Orphanet 300547, MedGen CN031131, MONDO:0020739, OMIM 143880.

Allele frequency attached by ClinVar (database versions not stated): gnomAD exomes 0.00128; ExAC 0.00179; gnomAD 0.00491 and 0.00529; TOPMed 0.00543; ESP Exome Variant Server 0.00584; 1000 Genomes Project 30x 0.00656; 1000 Genomes Project 0.00679.
gnomAD v4.1: 1,420 of 1,598,908 alleles (0.089%); highest among the groups gnomAD compares: African/African-American, 1.7%; 17 homozygotes.

Submissions (4):

Labcorp Genetics (formerly Invitae), Labcorp
Classification: Benign. Last evaluated: 2026-01-15. Review status: criteria provided, single submitter. Criteria: Invitae Variant Classification Sherloc (09022015). Collection method: clinical testing. Allele origin: germline.

Mayo Clinic Laboratories, Mayo Clinic
Classification: Benign. Last evaluated: 2024-12-16. Review status: criteria provided, single submitter. Criteria: ACMG Guidelines, 2015. Collection method: clinical testing. Allele origin: germline. Observed: 1 variant allele.
Comment: BS1, BS2, BP4

Illumina Laboratory Services, Illumina
Classification: Benign for Hypercalcemia, infantile, 1. Last evaluated: 2018-01-13. Review status: criteria provided, single submitter. Criteria: ICSL Variant Classification Criteria 13 December 2019. Collection method: clinical testing. Allele origin: germline.
Comment: This variant was observed in the ICSL laboratory as part of a predisposition screen in an ostensibly healthy population. It had not been previously curated by ICSL or reported in the Human Gene Mutation Database (HGMD: prior to June 1st, 2018), and was therefore a candidate for classification through an automated scoring system. Utilizing variant allele frequency, disease prevalence and penetrance estimates, and inheritance mode, an automated score was calculated to assess if this variant is too frequent to cause the disease. Based on the score and internal cut-off values, a variant classified as benign is not then subjected to further curation. The score for this variant resulted in a classification of benign for this disease.

Breakthrough Genomics
Classification: Benign. Review status: criteria provided, single submitter. Criteria: ACMG Guidelines, 2015. Collection method: not provided. Allele origin: germline. Inheritance: Autosomal recessive inheritance. Affected: yes.

NM_000782.5(CYP24A1):c.1529C>T (p.Ala510Val)

Gene: CYP24A1 (cytochrome P450 family 24 subfamily A member 1; minus strand). Cytogenetic location: 20q13.2.
Variant type: single nucleotide variant.
Coding change: c.1529C>T on transcript NM_000782.5 (MANE Select); coding-DNA position 1529, C replaced by T.
Protein change: p.Ala510Val; replaces alanine 510 with valine.
Molecular consequence: missense variant.
Genome position (GRCh38, 1-based): chr20:54,157,195, G>A on the plus strand (C>T on the coding strand, the complement: CYP24A1 is on the minus strand). VCF-style: chr20-54157195-G-A. GRCh37 (hg19) VCF-style: chr20-52773734-G-A.
Other names: p.Ala510Val; c.1331C>T, p.Ala444Val (NM_001128915.2); short protein forms A510V, A444V.
Identifiers: ClinVar variation 697436 (VCV000697436.16), dbSNP rs116065115, ClinGen allele CA9915744.